The following is an entry in ClinVar:

ClinVar aggregate classification (germline): Uncertain significance (1 of 4 stars; one submission).

Conditions:
Catecholaminergic polymorphic ventricular tachycardia 1. Also called: VENTRICULAR TACHYCARDIA, STRESS-INDUCED POLYMORPHIC 1; RYR2-Related Catecholaminergic Polymorphic Ventricular Tachycardia; VENTRICULAR TACHYCARDIA, CATECHOLAMINERGIC POLYMORPHIC, 1, WITH OR WITHOUT ATRIAL DYSFUNCTION AND/OR DILATED CARDIOMYOPATHY. Identifiers: Orphanet 3286, MedGen C1631597, MONDO:0011484, OMIM 604772.

gnomAD v4.1: 1 of 1,566,368 alleles (0.000064%); highest among the groups gnomAD compares: Non-Finnish European, 0.000086%; no homozygotes.

Submission:

Labcorp Genetics (formerly Invitae), Labcorp
Classification: Uncertain significance for Catecholaminergic polymorphic ventricular tachycardia 1. Last evaluated: 2025-05-17. Review status: criteria provided, single submitter. Criteria: Invitae Variant Classification Sherloc (09022015). Collection method: clinical testing. Allele origin: germline.
Comment: This sequence change replaces lysine, which is basic and polar, with glutamine, which is neutral and polar, at codon 1903 of the RYR2 protein (p.Lys1903Gln). This variant is not present in population databases (gnomAD no frequency). This variant has not been reported in the literature in individuals affected with RYR2-related conditions. Invitae Evidence Modeling of protein sequence and biophysical properties (such as structural, functional, and spatial information, amino acid conservation, physicochemical variation, residue mobility, and thermodynamic stability) indicates that this missense variant is not expected to disrupt RYR2 protein function with a negative predictive value of 95%. In summary, the available evidence is currently insufficient to determine the role of this variant in disease. Therefore, it has been classified as a Variant of Uncertain Significance.

NM_001035.3(RYR2):c.5707A>C (p.Lys1903Gln)

Gene: RYR2 (ryanodine receptor 2; plus strand). Cytogenetic location: 1q43.
Variant type: single nucleotide variant.
Coding change: c.5707A>C on transcript NM_001035.3 (MANE Select); coding-DNA position 5707, A replaced by C.
Protein change: p.Lys1903Gln; replaces lysine 1903 with glutamine.
Molecular consequence: missense variant.
Genome position (GRCh38, 1-based): chr1:237,614,835, A>C. VCF-style: chr1-237614835-A-C. GRCh37 (hg19) VCF-style: chr1-237778135-A-C.
Other names: short protein forms K1903Q.
Identifiers: ClinVar variation 4777743 (VCV004777743.1).